The following is an entry in ClinVar:

ClinVar aggregate classification (germline): Uncertain significance. Review status: criteria provided, multiple submitters, no conflicts (2 of 4 stars). 2 submissions from 2 submitters: Uncertain significance (2). Last evaluated 2026-09-17.

Submissions (2):

GeneDx
Classification: Uncertain significance. Last evaluated: 2026-09-17. Review status: criteria provided, single submitter. Criteria: GeneDx Variant Classification Process June 2021. Collection method: clinical testing. Allele origin: germline.
Comment: Not observed at significant frequency in large population cohorts (gnomAD); In silico analysis suggests that this missense variant does not alter protein structure/function; This variant is associated with the following publications: (PMID: 38465843, 35389179, Milanowski2026[casereport])

Labcorp Genetics (formerly Invitae), Labcorp
Classification: Uncertain significance. Last evaluated: 2025-05-04. Review status: criteria provided, single submitter. Criteria: Invitae Variant Classification Sherloc (09022015). Collection method: clinical testing. Allele origin: germline.
Comment: This sequence change replaces glutamic acid, which is acidic and polar, with glutamine, which is neutral and polar, at codon 825 of the CSF1R protein (p.Glu825Gln). This variant is not present in population databases (gnomAD no frequency). This variant has not been reported in the literature in individuals affected with CSF1R-related conditions. ClinVar contains an entry for this variant (Variation ID: 3381617). Invitae Evidence Modeling of protein sequence and biophysical properties (such as structural, functional, and spatial information, amino acid conservation, physicochemical variation, residue mobility, and thermodynamic stability) has been performed for this missense variant. However, the output from this modeling did not meet the statistical confidence thresholds required to predict the impact of this variant on CSF1R protein function. In summary, the available evidence is currently insufficient to determine the role of this variant in disease. Therefore, it has been classified as a Variant of Uncertain Significance.

NM_001288705.3(CSF1R):c.2473G>C (p.Glu825Gln)

Gene: CSF1R (colony stimulating factor 1 receptor; minus strand). Cytogenetic location: 5q32.
Variant type: single nucleotide variant.
Coding change: c.2473G>C on transcript NM_001288705.3 (MANE Select); coding-DNA position 2473, G replaced by C.
Protein change: p.Glu825Gln; replaces glutamic acid 825 with glutamine.
Molecular consequence: missense variant. On other transcripts: non-coding transcript variant (2).
Genome position (GRCh38, 1-based): chr5:150,056,107, C>G on the plus strand (G>C on the coding strand, the complement: CSF1R is on the minus strand). VCF-style: chr5-150056107-C-G. GRCh37 (hg19) VCF-style: chr5-149435670-C-G.
Other names: c.2473G>C, p.Glu825Gln (NM_001349736.2, NM_001375320.1, NM_005211.4); c.2029G>C, p.Glu677Gln (NM_001375321.1); short protein forms E677Q, E825Q.
Identifiers: ClinVar variation 3381617 (VCV003381617.4).